The following is an entry in ClinVar:

ClinVar aggregate classification (germline): Uncertain significance (1 of 4 stars; one submission).

gnomAD v4.1: 2 of 1,614,138 alleles (0.00012%); highest among the groups gnomAD compares: South Asian, 0.0022%; no homozygotes.

Submission:

Labcorp Genetics (formerly Invitae), Labcorp
Classification: Uncertain significance. Last evaluated: 2024-10-31. Review status: criteria provided, single submitter. Criteria: Invitae Variant Classification Sherloc (09022015). Collection method: clinical testing. Allele origin: germline.
Comment: This sequence change replaces lysine, which is basic and polar, with arginine, which is basic and polar, at codon 316 of the SCN3A protein (p.Lys316Arg). This variant is present in population databases (no rsID available, gnomAD 0.003%). This variant has not been reported in the literature in individuals affected with SCN3A-related conditions. Invitae Evidence Modeling of protein sequence and biophysical properties (such as structural, functional, and spatial information, amino acid conservation, physicochemical variation, residue mobility, and thermodynamic stability) indicates that this missense variant is not expected to disrupt SCN3A protein function with a negative predictive value of 95%. In summary, the available evidence is currently insufficient to determine the role of this variant in disease. Therefore, it has been classified as a Variant of Uncertain Significance.

NM_006922.4(SCN3A):c.947A>G (p.Lys316Arg)

Gene: SCN3A (sodium voltage-gated channel alpha subunit 3; minus strand). Cytogenetic location: 2q24.3.
Variant type: single nucleotide variant.
Coding change: c.947A>G on transcript NM_006922.4 (MANE Select); coding-DNA position 947, A replaced by G.
Protein change: p.Lys316Arg; replaces lysine 316 with arginine.
Molecular consequence: missense variant.
Genome position (GRCh38, 1-based): chr2:165,162,576, T>C on the plus strand (A>G on the coding strand, the complement: SCN3A is on the minus strand). VCF-style: chr2-165162576-T-C. GRCh37 (hg19) VCF-style: chr2-166019086-T-C.
Other names: c.947A>G, p.Lys316Arg (NM_001081676.2, NM_001081677.2); short protein forms K316R.
Identifiers: ClinVar variation 3692320 (VCV003692320.2).
Genomic context (GRCh38, chr2:165,162,576, plus strand): 5'-TTCAGCAACACTAAGGTTAACATAATGTAATACTTCTTACTGTCATCTCCAATGTAATCC[T>C]TCCAGTTAAATGTGCTCATTGTTACATTAACAAATGTCCCATTTGAATCCATTGTGCCAT-3'
Protein context (NP_008853.3, residues 306-326): VNVTMSTFNW[Lys316Arg]DYIGDDSHFY